The following is an entry in ClinVar:

NM_001365951.3(KIF1B):c.2340T>A (p.Ser780Arg)

Gene: KIF1B (kinesin family member 1B; plus strand). Cytogenetic location: 1p36.22.
Variant type: single nucleotide variant.
Coding change: c.2340T>A on transcript NM_001365951.3 (MANE Select); coding-DNA position 2340, T replaced by A.
Protein change: p.Ser780Arg; replaces serine 780 with arginine.
Molecular consequence: missense variant.
Genome position (GRCh38, 1-based): chr1:10,321,839, T>A. VCF-style: chr1-10321839-T-A. GRCh37 (hg19) VCF-style: chr1-10381897-T-A.
Other names: c.2340T>A, p.Ser780Arg (NM_001365952.1); c.2202T>A, p.Ser734Arg (NM_015074.3); short protein forms S734R, S780R.
Identifiers: ClinVar variation 3533892 (VCV003533892.1).

ClinVar aggregate classification (germline): Uncertain significance (1 of 4 stars; one submission).

Submission:

Ambry Genetics
Classification: Uncertain significance. Last evaluated: 2024-10-14. Review status: criteria provided, single submitter. Criteria: Ambry Variant Classification Scheme 2023. Collection method: clinical testing. Allele origin: germline.
Comment: The p.S734R variant (also known as c.2202T>A), located in coding exon 21 of the KIF1B gene, results from a T to A substitution at nucleotide position 2202. The serine at codon 734 is replaced by arginine, an amino acid with dissimilar properties. This amino acid position is conserved. In addition, this alteration is predicted to be deleterious by in silico analysis. Based on the available evidence, the clinical significance of this variant remains unclear.